The following is an entry in ClinVar:

NM_000382.3(ALDH3A2):c.659G>C (p.Cys220Ser)

Gene: ALDH3A2 (aldehyde dehydrogenase 3 family member A2; plus strand). Cytogenetic location: 17p11.2.
Variant type: single nucleotide variant.
Coding change: c.659G>C on transcript NM_000382.3 (MANE Select); coding-DNA position 659, G replaced by C.
Protein change: p.Cys220Ser; replaces cysteine 220 with serine.
Molecular consequence: missense variant.
Genome position (GRCh38, 1-based): chr17:19,656,553, G>C. VCF-style: chr17-19656553-G-C. GRCh37 (hg19) VCF-style: chr17-19559866-G-C.
Other names: c.659G>C, p.Cys220Ser (NM_001031806.2, NM_001369136.1, NM_001369137.2 and 3 more transcripts); c.80G>C, p.Cys27Ser (NM_001369148.2); short protein forms C27S, C220S.
Identifiers: ClinVar variation 3109500 (VCV003109500.1), dbSNP rs760519248, ClinGen allele CA8442865.

ClinVar aggregate classification (germline): Uncertain significance (1 of 4 stars; one submission).

Conditions:
Inborn genetic diseases. Identifiers: MedGen C0950123, MeSH D030342.

Allele frequency attached by ClinVar (database versions not stated): ExAC 0.00001; gnomAD 0.00003; gnomAD exomes 0.00004; TOPMed 0.00005.
gnomAD v4.1: 70 of 1,613,234 alleles (0.0043%); highest among the groups gnomAD compares: Non-Finnish European, 0.0053%; no homozygotes.

Submission:

Ambry Genetics
Classification: Uncertain significance for Inborn genetic diseases. Last evaluated: 2021-12-28. Review status: criteria provided, single submitter. Criteria: Ambry Variant Classification Scheme 2023. Collection method: clinical testing. Allele origin: germline.
Comment: The c.659G>C (p.C220S) alteration is located in exon 4 (coding exon 4) of the ALDH3A2 gene. This alteration results from a G to C substitution at nucleotide position 659, causing the cysteine (C) at amino acid position 220 to be replaced by a serine (S). The in silico prediction for this alteration is inconclusive. Based on insufficient or conflicting evidence, the clinical significance of this alteration remains unclear.